The following is an entry in ClinVar:

NM_020708.5(SLC12A5):c.1998C>T (p.His666=)

Gene: SLC12A5 (solute carrier family 12 member 5; plus strand). Cytogenetic location: 20q13.12.
Variant type: single nucleotide variant.
Coding change: c.1998C>T on transcript NM_020708.5 (MANE Select); coding-DNA position 1998, C replaced by T.
Protein change: p.His666=; no amino-acid change (histidine 666 retained).
Molecular consequence: synonymous variant.
Genome position (GRCh38, 1-based): chr20:46,048,071, C>T. VCF-style: chr20-46048071-C-T. GRCh37 (hg19) VCF-style: chr20-44676710-C-T.
Other names: c.2067C>T, p.His689= (NM_001134771.2); c.1998C>T (NM_020708.4).
Identifiers: ClinVar variation 2830604 (VCV002830604.4), dbSNP rs747883930, ClinGen allele CA315638244.

ClinVar aggregate classification (germline): Likely benign. Review status: criteria provided, single submitter (1 of 4 stars). 2 submissions from 2 submitters: Likely benign (1). 1 of the submissions does not count toward it. Last evaluated 2023-01-20.

Conditions:
SLC12A5-related disorder. Also called: SLC12A5-related condition.
Developmental and epileptic encephalopathy, 34 (DEE34). Also called: Early infantile epileptic encephalopathy 34; SLC12A5-Related Epilepsy of Infancy with Migrating Focal Seizures. Identifiers: Orphanet 293181, MedGen C4225257, MONDO:0014718, OMIM 616645.

Allele frequency attached by ClinVar (database versions not stated): gnomAD exomes below 0.00001; TOPMed below 0.00001.
gnomAD v4.1: 1 of 1,612,206 alleles (0.000062%); highest among the groups gnomAD compares: Middle Eastern, 0.017%; no homozygotes.

Submissions (2):

Labcorp Genetics (formerly Invitae), Labcorp
Classification: Likely benign for Developmental and epileptic encephalopathy, 34. Last evaluated: 2023-01-20. Review status: criteria provided, single submitter. Criteria: Invitae Variant Classification Sherloc (09022015). Collection method: clinical testing. Allele origin: germline.

PreventionGenetics, part of Exact Sciences
Classification: Likely benign for SLC12A5-related condition. Last evaluated: 2019-07-31. Review status: no assertion criteria provided. Collection method: clinical testing. Allele origin: germline. Not counted in ClinVar's aggregate classification.
Comment: This variant is classified as likely benign based on ACMG/AMP sequence variant interpretation guidelines (Richards et al. 2015 PMID: 25741868, with internal and published modifications).